The following is an entry in ClinVar:

NM_000282.4(PCCA):c.383T>C (p.Met128Thr)

Gene: PCCA (propionyl-CoA carboxylase subunit alpha; plus strand). Cytogenetic location: 13q32.3.
Variant type: single nucleotide variant.
Coding change: c.383T>C on transcript NM_000282.4 (MANE Select); coding-DNA position 383, T replaced by C.
Protein change: p.Met128Thr; replaces methionine 128 with threonine.
Molecular consequence: missense variant. On other transcripts: 5 prime UTR variant (3), non-coding transcript variant (5).
Genome position (GRCh38, 1-based): chr13:100,155,061, T>C. VCF-style: chr13-100155061-T-C. GRCh37 (hg19) VCF-style: chr13-100807315-T-C.
Other names: c.305T>C, p.Met102Thr (NM_001127692.3, NM_001352607.2, NM_001352608.2); c.383T>C, p.Met128Thr (NM_001178004.2, NM_001352605.2, NM_001352606.2 and 1 more transcripts); c.-484T>C (NM_001352610.2, NM_001352611.2, NM_001352612.2); c.383T>C (NM_000282.3); short protein forms M128T, M102T.
Identifiers: ClinVar variation 2192332 (VCV002192332.4), dbSNP rs112406496, ClinGen allele CA388693731.

ClinVar aggregate classification (germline): Uncertain significance. Review status: criteria provided, multiple submitters, no conflicts (2 of 4 stars). 2 submissions from 2 submitters: Uncertain significance (2). Last evaluated 2024-07-02.

Conditions:
Propionic acidemia (PROP). Also called: GLYCINEMIA, KETOTIC; HYPERGLYCINEMIA WITH KETOACIDOSIS AND LEUKOPENIA; KETOTIC HYPERGLYCINEMIA. Identifiers: Orphanet 35, MedGen C0268579, MONDO:0011628, OMIM 606054, HP:0003571.

Allele frequency attached by ClinVar (database versions not stated): gnomAD exomes below 0.00001.

Submissions (2):

GeneDx
Classification: Uncertain significance. Last evaluated: 2024-07-02. Review status: criteria provided, single submitter. Criteria: GeneDx Variant Classification Process June 2021. Collection method: clinical testing. Allele origin: germline. Affected: yes.
Comment: Not observed at significant frequency in large population cohorts (gnomAD); In silico analysis supports that this missense variant has a deleterious effect on protein structure/function; Has not been previously published as pathogenic or benign to our knowledge

Labcorp Genetics (formerly Invitae), Labcorp
Classification: Uncertain significance for Propionic acidemia. Last evaluated: 2022-03-23. Review status: criteria provided, single submitter. Criteria: Invitae Variant Classification Sherloc (09022015). Collection method: clinical testing. Allele origin: germline.
Comment: This variant is not present in population databases (gnomAD no frequency). This sequence change replaces methionine, which is neutral and non-polar, with threonine, which is neutral and polar, at codon 128 of the PCCA protein (p.Met128Thr). This variant has not been reported in the literature in individuals affected with PCCA-related conditions. In summary, the available evidence is currently insufficient to determine the role of this variant in disease. Therefore, it has been classified as a Variant of Uncertain Significance. Algorithms developed to predict the effect of missense changes on protein structure and function are either unavailable or do not agree on the potential impact of this missense change (SIFT: "Deleterious"; PolyPhen-2: "Benign"; Align-GVGD: "Class C0").